The following is an entry in ClinVar:

NM_020738.4(KIDINS220):c.3817G>C (p.Val1273Leu)

Gene: KIDINS220 (kinase D interacting substrate 220; minus strand). Cytogenetic location: 2p25.1.
Variant type: single nucleotide variant.
Coding change: c.3817G>C on transcript NM_020738.4 (MANE Select); coding-DNA position 3817, G replaced by C.
Protein change: p.Val1273Leu; replaces valine 1273 with leucine.
Molecular consequence: missense variant. On other transcripts: non-coding transcript variant (2).
Genome position (GRCh38, 1-based): chr2:8,733,680, C>G on the plus strand (G>C on the coding strand, the complement: KIDINS220 is on the minus strand). VCF-style: chr2-8733680-C-G. GRCh37 (hg19) VCF-style: chr2-8873810-C-G.
Other names: c.3820G>C, p.Val1274Leu (NM_001348729.2); c.3763G>C, p.Val1255Leu (NM_001348731.2); c.3760G>C, p.Val1254Leu (NM_001348732.2, NM_001348738.2); c.3649G>C, p.Val1217Leu (NM_001348734.2, NM_001348739.2, NM_001348740.2); c.3646G>C, p.Val1216Leu (NM_001348735.2, NM_001348741.2, NM_001348742.2 and 1 more transcripts); c.3520G>C, p.Val1174Leu (NM_001348736.2); short protein forms V1174L, V1216L, V1217L, V1254L, V1255L, V1273L, V1274L.
Identifiers: ClinVar variation 3366693 (VCV003366693.1).
Genomic context (GRCh38, chr2:8,733,680, plus strand): 5'-CACTGAGGAAACGTGGGTCTTCAGGGACCACGTGGCTTTCTGCGTTTCTCATTTCTAGTA[C>G]CTTAACAGAAGAAAAACATAAATATTTACACTAACAAATCATATTTTAGAAGCTTTAGAA-3'
Protein context (NP_065789.1, residues 1263-1283): FGDWHLFRST[Val1273Leu]LEMRNAESHV

ClinVar aggregate classification (germline): Uncertain significance (1 of 4 stars; one submission).

Submission:

Women's Health and Genetics/Laboratory Corporation of America, LabCorp
Classification: Uncertain significance. Last evaluated: 2024-08-21. Review status: criteria provided, single submitter. Criteria: LabCorp Variant Classification Summary - May 2015. Collection method: clinical testing. Allele origin: germline.
Comment: Variant summary: KIDINS220 c.3817G>C (p.Val1273Leu) results in a conservative amino acid change in the encoded protein sequence. Four of five in-silico tools predict a benign effect of the variant on protein function. The variant is also within the exonic splice region of Intron 29. Several computational tools predict a significant impact on normal splicing: Three predict the variant weakens the canonical 3' acceptor site. One predict the variant no significant impact on splicing. However, these predictions have yet to be confirmed by functional studies. The frequency data for this variant in gnomAD is considered unreliable, as metrics indicate poor data quality at this position. To our knowledge, no occurrence of c.3817G>C in individuals affected with Spastic Paraplegia, Intellectual Disability, Nystagmus, And Obesity and no experimental evidence demonstrating its impact on protein function have been reported. No submitters have cited clinical-significance assessments for this variant to ClinVar. Based on the evidence outlined above, the variant was classified as uncertain significance.